The following is an entry in ClinVar:

ClinVar aggregate classification (germline): Uncertain significance (1 of 4 stars; one submission).

Conditions:
Anauxetic dysplasia. Identifiers: Orphanet 93347, MedGen C1846796, MONDO:0011773.

Submission:

Labcorp Genetics (formerly Invitae), Labcorp
Classification: Uncertain significance for Anauxetic dysplasia. Last evaluated: 2025-09-22. Review status: criteria provided, single submitter. Criteria: Invitae Variant Classification Sherloc (09022015). Collection method: clinical testing. Allele origin: germline.
Comment: This variant occurs in the RMRP gene, which encodes an RNA molecule that does not result in a protein product. This variant is not present in population databases (gnomAD no frequency). This variant has not been reported in the literature in individuals affected with RMRP-related conditions. Experimental studies and prediction algorithms are not available or were not evaluated, and the functional significance of this variant is currently unknown. In summary, the available evidence is currently insufficient to determine the role of this variant in disease. Therefore, it has been classified as a Variant of Uncertain Significance.

NC_000009.12:g.35658036G>T

Gene: RMRP (RNA component of mitochondrial RNA processing endoribonuclease; minus strand). Cytogenetic location: 9p13.3.
Variant type: single nucleotide variant.
Genome position: GRCh38 VCF-style: chr9-35658036-G-T. GRCh37 (hg19) VCF-style: chr9-35658033-G-T.
Identifiers: ClinVar variation 1945089 (VCV001945089.3), dbSNP rs775303012, ClinGen allele CA1846127719.